The following is an entry in ClinVar:

ClinVar aggregate classification (germline): Uncertain significance (1 of 4 stars; one submission).

Conditions:
Primary ciliary dyskinesia 6. Also called: Primary Ciliary Dyskinesia 6: TXNDC3-Related Primary Ciliary Dyskinesia. Identifiers: Orphanet 244, MedGen C1970506, MONDO:0012571, OMIM 610852.

Allele frequency attached by ClinVar (database versions not stated): gnomAD exomes 0.00001; TOPMed 0.00001; ExAC 0.00002; gnomAD 0.00003 and 0.00004.
gnomAD v4.1: 27 of 1,604,066 alleles (0.0017%); highest among the groups gnomAD compares: African/African-American, 0.0094%; no homozygotes.

Submission:

Labcorp Genetics (formerly Invitae), Labcorp
Classification: Uncertain significance for Primary ciliary dyskinesia 6. Last evaluated: 2025-06-23. Review status: criteria provided, single submitter. Criteria: Invitae Variant Classification Sherloc (09022015). Collection method: clinical testing. Allele origin: germline.
Comment: This sequence change affects codon 66 of the NME8 mRNA. It is a 'silent' change, meaning that it does not change the encoded amino acid sequence of the NME8 protein. It affects a nucleotide within the consensus splice site. This variant is present in population databases (rs748684004, gnomAD 0.01%). This variant has not been reported in the literature in individuals affected with NME8-related conditions. ClinVar contains an entry for this variant (Variation ID: 536822). Algorithms developed to predict the effect of sequence changes on RNA splicing suggest that this variant is not likely to affect RNA splicing. In summary, the available evidence is currently insufficient to determine the role of this variant in disease. Therefore, it has been classified as a Variant of Uncertain Significance.

NM_016616.5(NME8):c.198C>T (p.Val66=)

Gene: NME8 (NME/NM23 family member 8; plus strand). Cytogenetic location: 7p14.1.
Variant type: single nucleotide variant.
Coding change: c.198C>T on transcript NM_016616.5 (MANE Select); coding-DNA position 198, C replaced by T.
Protein change: p.Val66=; no amino-acid change (valine 66 retained).
Molecular consequence: synonymous variant.
Genome position (GRCh38, 1-based): chr7:37,850,735, C>T. VCF-style: chr7-37850735-C-T. GRCh37 (hg19) VCF-style: chr7-37890337-C-T.
Identifiers: ClinVar variation 536822 (VCV000536822.5), dbSNP rs748684004, ClinGen allele CA4222085.